The following is an entry in ClinVar:

ClinVar aggregate classification (germline): Conflicting classifications of pathogenicity. Review status: criteria provided, conflicting classifications (1 of 4 stars). 3 submissions from 3 submitters: Uncertain significance (2); Benign (1). Last evaluated 2025-07-28.

Conditions:
Tip-toe gait. Also called: Toe walking. Identifiers: MedGen C0427144, HP:0030051.

Allele frequency attached by ClinVar (database versions not stated): ExAC 0.00001; gnomAD 0.00001; gnomAD exomes 0.00001; TOPMed 0.00002; 1000 Genomes Project 30x 0.00016; 1000 Genomes Project 0.00020.

Submissions (3):

Practice for Gait Abnormalities, David Pomarino, Competency Network Toe Walking C/o Practice Pomarino
Classification: Benign for Tip-toe gait. Last evaluated: 2025-07-28. Review status: criteria provided, single submitter. Criteria: Pomarino et al. (Glob Med Genet. 2026). Collection method: clinical testing. Allele origin: germline. Affected: yes.

CeGaT Center for Human Genetics Tuebingen
Classification: Uncertain significance. Last evaluated: 2024-03-01. Review status: criteria provided, single submitter. Criteria: CeGaT Center For Human Genetics Tuebingen Variant Classification Criteria Version 2. Collection method: clinical testing. Allele origin: germline. Affected: yes. Observed: 1 variant allele.
Comment: SBF1: PM2

Labcorp Genetics (formerly Invitae), Labcorp
Classification: Uncertain significance. Last evaluated: 2022-05-06. Review status: criteria provided, single submitter. Criteria: Invitae Variant Classification Sherloc (09022015). Collection method: clinical testing. Allele origin: germline.
Comment: This sequence change replaces arginine, which is basic and polar, with tryptophan, which is neutral and slightly polar, at codon 656 of the SBF1 protein (p.Arg656Trp). This variant is present in population databases (rs568904413, gnomAD 0.01%). This variant has not been reported in the literature in individuals affected with SBF1-related conditions. Algorithms developed to predict the effect of missense changes on protein structure and function are either unavailable or do not agree on the potential impact of this missense change (SIFT: "Deleterious"; PolyPhen-2: "Probably Damaging"; Align-GVGD: "Class C0"). In summary, the available evidence is currently insufficient to determine the role of this variant in disease. Therefore, it has been classified as a Variant of Uncertain Significance.

NM_002972.4(SBF1):c.1966C>T (p.Arg656Trp)

Gene: SBF1 (SET binding factor 1; minus strand). Cytogenetic location: 22q13.33.
Variant type: single nucleotide variant.
Coding change: c.1966C>T on transcript NM_002972.4 (MANE Select); coding-DNA position 1966, C replaced by T.
Protein change: p.Arg656Trp; replaces arginine 656 with tryptophan.
Molecular consequence: missense variant.
Genome position (GRCh38, 1-based): chr22:50,462,872, G>A on the plus strand (C>T on the coding strand, the complement: SBF1 is on the minus strand). VCF-style: chr22-50462872-G-A. GRCh37 (hg19) VCF-style: chr22-50901301-G-A.
Other names: c.1966C>T (NM_002972.3); c.1969C>T, p.Arg657Trp (NM_001365819.1, NM_001410794.1); c.1966C>T, p.Arg656Trp (NM_001410795.1, NM_197971.1); short protein forms R656W, R657W.
Identifiers: ClinVar variation 2171993 (VCV002171993.23), dbSNP rs568904413, ClinGen allele CA10317441.
Genomic context (GRCh38, chr22:50,462,872, plus strand): 5'-ACCTCAGCCACCAGGAAGGGGGGGCTGGGAAGGAGACCTCAGCCATGCCAGCACTCACCC[G>A]GCAGAAGGCTGTGACCAGAGGCAGCAGAGCCGCCGCAATGCCATGCTCGTCCAGAGAAGT-3'
Protein context (NP_002963.2, residues 646-666): ALLPLVTAFC[Arg656Trp]KLSPGVTQFA